The following is an entry in ClinVar:

ClinVar aggregate classification (germline): Benign/Likely benign. Review status: criteria provided, multiple submitters, no conflicts (2 of 4 stars). 21 submissions from 21 submitters: Benign (10); Likely benign (9). 2 of the submissions do not count toward it. Last evaluated 2026-07-01.

Conditions:
Hereditary cancer-predisposing syndrome. Also called: Neoplastic Syndromes, Hereditary; Tumor predisposition; Hereditary Cancer Syndrome; Hereditary neoplastic syndrome. Identifiers: Orphanet 140162, MedGen C0027672, MeSH D009386, MONDO:0015356.
Tuberous sclerosis syndrome (TSC). Also called: Tuberous Sclerosis Complex; Tuberous sclerosis. Identifiers: Orphanet 805, MedGen C0041341, MONDO:0001734.
Tuberous sclerosis 2 (TSC2). Identifiers: Orphanet 805, MedGen C1860707, MONDO:0013199, OMIM 613254.

Allele frequency attached by ClinVar (database versions not stated): 1000 Genomes Project 30x 0.00031; gnomAD 0.00108 and 0.00116; TOPMed 0.00137; ESP Exome Variant Server 0.00139.
gnomAD v4.1: 462 of 1,613,314 alleles (0.029%); highest among the groups gnomAD compares: African/African-American, 0.41%; 1 homozygote.

Submissions (22):

CeGaT Center for Human Genetics Tuebingen
Classification: Likely benign. Last evaluated: 2026-07-01. Review status: criteria provided, single submitter. Criteria: CeGaT Center For Human Genetics Tuebingen Variant Classification Criteria Version 2. Collection method: clinical testing. Allele origin: germline. Affected: yes. Observed: 11 variant alleles.
Comment: TSC2: BP4, BS1

Labcorp Genetics (formerly Invitae), Labcorp
Classification: Benign for Tuberous sclerosis 2. Last evaluated: 2026-01-28. Review status: criteria provided, single submitter. Criteria: Invitae Variant Classification Sherloc (09022015). Collection method: clinical testing. Allele origin: germline.

Women's Health and Genetics/Laboratory Corporation of America, LabCorp
Classification: Likely benign. Last evaluated: 2026-01-14. Review status: criteria provided, single submitter. Criteria: LabCorp Variant Classification Summary - May 2015. Collection method: clinical testing. Allele origin: germline.
Comment: Variant summary: TSC2 c.1946T>C (p.Met649Thr) results in a non-conservative amino acid change in the encoded protein sequence. Algorithms developed to predict the effect of missense changes on protein structure and function are either unavailable or do not agree on the potential impact of this missense change. Consensus agreement among computation tools predict no significant impact on normal splicing. However, these predictions have yet to be confirmed by functional studies. The variant allele was found at a frequency of 0.00033 in 249946 control chromosomes, predominantly at a frequency of 0.0035 within the African or African-American subpopulation in the gnomAD database. The observed variant frequency within African or African-American control individuals in the gnomAD database exceeds the estimated maximal expected allele frequency for disease-causing variants in TSC2. ClinVar contains an entry for this variant (Variation ID: 50189). Based on the evidence outlined above, the variant was classified as likely benign.

Dasa
Classification: Benign for Tuberous sclerosis 2. Last evaluated: 2026-01-05. Review status: criteria provided, single submitter. Criteria: DASA Assertion Criteria. Collection method: clinical testing. Allele origin: germline.
Comment: NM_000548.5(TSC2):c.1946T>C (p.Met649Thr) is a missense variant that results in the substitution of methionine with threonine. Population frequency is inconsistent with a disease-causing role for this variant, and observations in unaffected individuals support a benign interpretation. Therefore, based on the currently available evidence, this variant is classified as benign.

Quest Diagnostics Nichols Institute San Juan Capistrano
Classification: Benign. Last evaluated: 2025-10-23. Review status: criteria provided, single submitter. Criteria: Quest Diagnostics criteria. Collection method: clinical testing. Allele origin: unknown.

Myriad Genetics, Inc.
Classification: Benign for Tuberous sclerosis 2. Last evaluated: 2025-05-16. Review status: criteria provided, single submitter. Criteria: Myriad Autosomal Dominant, Autosomal Recessive and X-Linked Classification Criteria (2023). Collection method: clinical testing. Allele origin: unknown.
Comment: This variant is considered benign. This variant has been observed at a population frequency that is significantly greater than expected given the associated disease prevalence and penetrance. Homozygosity has been confirmed in one or more individuals. As homozygosity for pathogenic variants in this gene is generally assumed to result in embryonic lethality, this variant is unlikely to be pathogenic.

Mayo Clinic Laboratories, Mayo Clinic
Classification: Benign. Last evaluated: 2025-03-04. Review status: criteria provided, single submitter. Criteria: ACMG Guidelines, 2015. Collection method: clinical testing. Allele origin: germline. Observed: 2 variant alleles.
Comment: BS1, BS2

Blueprint Genetics
Classification: Likely benign. Last evaluated: 2024-11-27. Review status: criteria provided, single submitter. Criteria: ACMG Guidelines, 2015. Collection method: clinical testing. Allele origin: germline.

ARUP Laboratories, Molecular Genetics and Genomics, ARUP Laboratories
Classification: Likely benign. Last evaluated: 2023-11-28. Review status: criteria provided, single submitter. Criteria: ARUP Molecular Germline Variant Investigation Process 2024. Collection method: clinical testing. Allele origin: germline.

KCCC/NGS Laboratory, Kuwait Cancer Control Center
Classification: Benign for Tuberous sclerosis 2. Last evaluated: 2023-07-07. Review status: criteria provided, single submitter. Criteria: ACMG Guidelines, 2015. Collection method: clinical testing. Allele origin: germline. Affected: yes.

Color Diagnostics, LLC DBA Color Health
Classification: Benign for Tuberous sclerosis syndrome. Last evaluated: 2022-09-22. Review status: criteria provided, single submitter. Criteria: ACMG Guidelines, 2015. Collection method: clinical testing. Allele origin: germline.

Ambry Genetics
Classification: Likely benign for Hereditary cancer-predisposing syndrome. Last evaluated: 2022-02-15. Review status: criteria provided, single submitter. Criteria: Ambry Variant Classification Scheme 2023. Collection method: clinical testing. Allele origin: germline.

Genome-Nilou Lab
Classification: Benign for Tuberous sclerosis 2. Last evaluated: 2021-11-07. Review status: criteria provided, single submitter. Criteria: ACMG Guidelines, 2015. Collection method: clinical testing. Allele origin: germline. Affected: no.

Sema4
Classification: Benign for Hereditary cancer-predisposing syndrome. Last evaluated: 2021-02-13. Review status: criteria provided, single submitter. Criteria: Sema4 Curation Guidelines. Collection method: curation. Allele origin: germline.

GeneDx
Classification: Benign. Last evaluated: 2019-07-24. Review status: criteria provided, single submitter. Criteria: GeneDx Variant Classification Process June 2021. Collection method: clinical testing. Allele origin: germline. Affected: yes.
Comment: This variant is associated with the following publications: (PMID: 24728327, 22903760, 23514105)

Illumina Laboratory Services, Illumina
Classification: Likely benign for Tuberous sclerosis syndrome. Last evaluated: 2018-12-03. Review status: criteria provided, single submitter. Criteria: ICSL Variant Classification Criteria 13 December 2019. Collection method: clinical testing. Allele origin: germline.
Comment: This variant was observed as part of a predisposition screen in an ostensibly healthy population. A literature search was performed for the gene, cDNA change, and amino acid change (where applicable). No publications were found based on this search. Allele frequency data from public databases allowed determination this variant is unlikely to cause disease. Therefore, this variant is classified as likely benign.

Genomic Diagnostic Laboratory, Division of Genomic Diagnostics, Children's Hospital of Philadelphia
Classification: Likely benign for Tuberous sclerosis 2. Last evaluated: 2015-06-26. Review status: criteria provided, single submitter. Criteria: DGD Variant Analysis Guidelines. Collection method: clinical testing. Allele origin: unknown.

Eurofins Ntd Llc (ga)
Classification: Likely benign. Last evaluated: 2015-01-28. Review status: criteria provided, single submitter. Criteria: EGL Classification Definitions 2015. Collection method: clinical testing. Allele origin: germline. Observed: 3 variant alleles, 3 heterozygotes.

Breakthrough Genomics
Classification: Likely benign. Review status: criteria provided, single submitter. Criteria: ACMG Guidelines, 2015. Collection method: not provided. Allele origin: germline. Inheritance: Autosomal dominant inheritance. Affected: yes.

ITMI
No classification provided. Condition: AllHighlyPenetrant. Last evaluated: 2013-09-19. Review status: no classification provided. Collection method: reference population. Allele origin: germline. Not counted in ClinVar's aggregate classification.
Comment: Please see associated publication for description of ethnicities

Dr. Peter K. Rogan Lab, Western University
No classification provided (evidence only). Condition: Sarcoma. Review status: no classification provided. Collection method: in vitro. Allele origin: not applicable. Functional consequence: retained intron. Not counted in ClinVar's aggregate classification.

Tuberous sclerosis database (TSC2)
No classification provided. Condition: TSC. Review status: no classification provided. Criteria: Tuberous Sclerosis Database Assertion Criteria 2015. Collection method: curation. Allele origin: germline. Affected: yes. Not counted in ClinVar's aggregate classification.

Literature cited by the submitters: PubMed 22903760 (cited by Mayo Clinic Laboratories, Mayo Clinic); PubMed 24728327 (cited by Mayo Clinic Laboratories, Mayo Clinic and ITMI); PubMed 29271092 (cited by Mayo Clinic Laboratories, Mayo Clinic).

NM_000548.5(TSC2):c.1946T>C (p.Met649Thr)

Gene: TSC2 (TSC complex subunit 2; plus strand). Cytogenetic location: 16p13.3.
Variant type: single nucleotide variant.
Coding change: c.1946T>C on transcript NM_000548.5 (MANE Select); coding-DNA position 1946, T replaced by C.
Protein change: p.Met649Thr; replaces methionine 649 with threonine.
Molecular consequence: missense variant.
Genome position (GRCh38, 1-based): chr16:2,071,616, T>C. VCF-style: chr16-2071616-T-C. GRCh37 (hg19) VCF-style: chr16-2121617-T-C.
Other names: p.M649T:ATG>ACG; p.Met649Thr; c.1946T>C (NM_000548.4); c.1946T>C, p.Met649Thr (NM_001077183.3, NM_001114382.3, NM_001363528.2 and 3 more transcripts); c.1835T>C, p.Met612Thr (NM_001318827.2); c.1799T>C, p.Met600Thr (NM_001318829.2); c.1346T>C, p.Met449Thr (NM_001318831.2); c.1979T>C, p.Met660Thr (NM_001318832.2); short protein forms M649T, M612T, M449T, M600T, M660T.
Identifiers: ClinVar variation 50189 (VCV000050189.66), dbSNP rs45490792, ClinGen allele CA016283.